The following is an entry in ClinVar:

NM_001375524.1(TRRAP):c.8502C>T (p.Cys2834=)

Gene: TRRAP (transformation/transcription domain associated protein; plus strand). Cytogenetic location: 7q22.1.
Variant type: single nucleotide variant.
Coding change: c.8502C>T on transcript NM_001375524.1 (MANE Select); coding-DNA position 8502, C replaced by T.
Protein change: p.Cys2834=; no amino-acid change (cysteine 2834 retained).
Molecular consequence: synonymous variant.
Genome position (GRCh38, 1-based): chr7:98,978,772, C>T. VCF-style: chr7-98978772-C-T. GRCh37 (hg19) VCF-style: chr7-98576395-C-T.
Other names: c.8481C>T, p.Cys2827= (NM_001244580.2); c.8427C>T, p.Cys2809= (NM_003496.4).
Identifiers: ClinVar variation 2657711 (VCV002657711.27), dbSNP rs762356268, ClinGen allele CA4361473.

ClinVar aggregate classification (germline): Likely benign. Review status: criteria provided, multiple submitters, no conflicts (2 of 4 stars). 2 submissions from 2 submitters: Likely benign (2). Last evaluated 2024-10-07.

Allele frequency attached by ClinVar (database versions not stated): gnomAD exomes 0.00001; ExAC 0.00002.

Submissions (2):

Labcorp Genetics (formerly Invitae), Labcorp
Classification: Likely benign. Last evaluated: 2024-10-07. Review status: criteria provided, single submitter. Criteria: Invitae Variant Classification Sherloc (09022015). Collection method: clinical testing. Allele origin: germline.

CeGaT Center for Human Genetics Tuebingen
Classification: Likely benign. Last evaluated: 2023-10-01. Review status: criteria provided, single submitter. Criteria: CeGaT Center For Human Genetics Tuebingen Variant Classification Criteria Version 2. Collection method: clinical testing. Allele origin: germline. Affected: yes. Observed: 1 variant allele.
Comment: TRRAP: BP4, BP7